The following is an entry in ClinVar:

NM_001365951.3(KIF1B):c.203C>T (p.Ala68Val)

Gene: KIF1B (kinesin family member 1B; plus strand). Cytogenetic location: 1p36.22.
Variant type: single nucleotide variant.
Coding change: c.203C>T on transcript NM_001365951.3 (MANE Select); coding-DNA position 203, C replaced by T.
Protein change: p.Ala68Val; replaces alanine 68 with valine.
Molecular consequence: missense variant.
Genome position (GRCh38, 1-based): chr1:10,258,512, C>T. VCF-style: chr1-10258512-C-T. GRCh37 (hg19) VCF-style: chr1-10318570-C-T.
Other names: c.203C>T, p.Ala68Val (NM_001365952.1, NM_001365953.1, NM_015074.3 and 1 more transcripts); short protein forms A68V.
Identifiers: ClinVar variation 1784870 (VCV001784870.3), dbSNP rs2523465178, ClinGen allele CA338324729.

ClinVar aggregate classification (germline): Uncertain significance (1 of 4 stars; one submission).

Submission:

Ambry Genetics
Classification: Uncertain significance. Last evaluated: 2024-06-08. Review status: criteria provided, single submitter. Criteria: Ambry Variant Classification Scheme 2023. Collection method: clinical testing. Allele origin: germline.
Comment: The p.A68V variant (also known as c.203C>T), located in coding exon 3 of the KIF1B gene, results from a C to T substitution at nucleotide position 203. The alanine at codon 68 is replaced by valine, an amino acid with similar properties. This amino acid position is conserved. In addition, this alteration is predicted to be deleterious by in silico analysis. Since supporting evidence is limited at this time, the clinical significance of this alteration remains unclear.